The following is an entry in ClinVar:

ClinVar aggregate classification (germline): Likely benign. Review status: criteria provided, multiple submitters, no conflicts (2 of 4 stars). 2 submissions from 2 submitters: Likely benign (2). Last evaluated 2021-12-22.

Conditions:
Hereditary spastic paraplegia 74. Also called: Spastic paraplegia 74, autosomal recessive. Identifiers: Orphanet 468661, MedGen C5568837, MONDO:0014644, OMIM 616451.
Multiple mitochondrial dysfunctions syndrome 3 (MMDS3). Identifiers: Orphanet 363424, MedGen C3809165, MONDO:0014132, OMIM 615330.

Allele frequency attached by ClinVar (database versions not stated): gnomAD 0.00001 and 0.00002; TOPMed 0.00001; 1000 Genomes Project 0.00040; 1000 Genomes Project 30x 0.00047.
gnomAD v4.1: 31 of 1,610,420 alleles (0.0019%); highest among the groups gnomAD compares: East Asian, 0.065%; no homozygotes.

Submissions (2):

Labcorp Genetics (formerly Invitae), Labcorp
Classification: Likely benign for Multiple mitochondrial dysfunctions syndrome 3; Hereditary spastic paraplegia 74. Last evaluated: 2021-12-22. Review status: criteria provided, single submitter. Criteria: Invitae Variant Classification Sherloc (09022015). Collection method: clinical testing. Allele origin: germline.

GeneDx
Classification: Likely benign. Last evaluated: 2016-07-21. Review status: criteria provided, single submitter. Criteria: GeneDx Variant Classification (06012015). Collection method: clinical testing. Allele origin: germline. Affected: yes.
Comment: This variant is considered likely benign or benign based on one or more of the following criteria: it is a conservative change, it occurs at a poorly conserved position in the protein, it is predicted to be benign by multiple in silico algorithms, and/or has population frequency not consistent with disease.

NM_001010867.4(IBA57):c.471G>A (p.Leu157=)

Gene: IBA57 (iron-sulfur cluster assembly factor IBA57; plus strand). Cytogenetic location: 1q42.13.
Variant type: single nucleotide variant.
Coding change: c.471G>A on transcript NM_001010867.4 (MANE Select); coding-DNA position 471, G replaced by A.
Protein change: p.Leu157=; no amino-acid change (leucine 157 retained).
Molecular consequence: synonymous variant. On other transcripts: 5 prime UTR variant (1).
Genome position (GRCh38, 1-based): chr1:228,174,821, G>A. VCF-style: chr1-228174821-G-A. GRCh37 (hg19) VCF-style: chr1-228362522-G-A.
Other names: c.-109G>A (NM_001310327.2).
Identifiers: ClinVar variation 387370 (VCV000387370.6), dbSNP rs540662509, ClinGen allele CA1431163.